The following is an entry in ClinVar:

NM_130466.4(UBE3B):c.3046C>T (p.Arg1016Trp)

Gene: UBE3B (ubiquitin protein ligase E3B; plus strand). Cytogenetic location: 12q24.11.
Variant type: single nucleotide variant.
Coding change: c.3046C>T on transcript NM_130466.4 (MANE Select); coding-DNA position 3046, C replaced by T.
Protein change: p.Arg1016Trp; replaces arginine 1016 with tryptophan.
Molecular consequence: missense variant.
Genome position (GRCh38, 1-based): chr12:109,534,621, C>T. VCF-style: chr12-109534621-C-T. GRCh37 (hg19) VCF-style: chr12-109972426-C-T.
Other names: c.3046C>T, p.Arg1016Trp (NM_183415.3); short protein forms R1016W.
Identifiers: ClinVar variation 1032376 (VCV001032376.3), dbSNP rs192805046, ClinGen allele CA6778462.
Genomic context (GRCh38, chr12:109,534,621, plus strand): 5'-CCAATTCAAGGCCACGATGTGTGCCTTCAGGACACCGGGGACACTCTGGGCAGCGTCCTC[C>T]GGGGCTTCTTCACCATCCGCAAGCGGGAGCCAGGCGGCCGCCTGCCCACCTCCTCCACCT-3'
Protein context (NP_569733.2, residues 1006-1026): DTGDTLGSVL[Arg1016Trp]GFFTIRKREP

ClinVar aggregate classification (germline): Uncertain significance. Review status: criteria provided, multiple submitters, no conflicts (2 of 4 stars). 2 submissions from 2 submitters: Uncertain significance (2). Last evaluated 2022-04-21.

Conditions:
Oculocerebrofacial syndrome, Kaufman type. Also called: Blepharophimosis-ptosis-intellectual disability syndrome. Identifiers: Orphanet 2707, MedGen C1855663, MONDO:0009485, OMIM 244450.

Allele frequency attached by ClinVar (database versions not stated): gnomAD 0.00005; gnomAD exomes 0.00005 and 0.00007; TOPMed 0.00005; ExAC 0.00009; 1000 Genomes Project 30x 0.00016; 1000 Genomes Project 0.00020.
gnomAD v4.1: 77 of 1,611,386 alleles (0.0048%); highest among the groups gnomAD compares: Non-Finnish European, 0.0059%; no homozygotes.

Submissions (2):

Labcorp Genetics (formerly Invitae), Labcorp
Classification: Uncertain significance. Last evaluated: 2022-04-21. Review status: criteria provided, single submitter. Criteria: Invitae Variant Classification Sherloc (09022015). Collection method: clinical testing. Allele origin: germline.
Comment: This sequence change replaces arginine, which is basic and polar, with tryptophan, which is neutral and slightly polar, at codon 1016 of the UBE3B protein (p.Arg1016Trp). This variant is present in population databases (rs192805046, gnomAD 0.01%). This variant has not been reported in the literature in individuals affected with UBE3B-related conditions. ClinVar contains an entry for this variant (Variation ID: 1032376). Algorithms developed to predict the effect of missense changes on protein structure and function are either unavailable or do not agree on the potential impact of this missense change (SIFT: "Deleterious"; PolyPhen-2: "Probably Damaging"; Align-GVGD: "Class C0"). In summary, the available evidence is currently insufficient to determine the role of this variant in disease. Therefore, it has been classified as a Variant of Uncertain Significance.

Baylor Genetics
Classification: Uncertain significance for Oculocerebrofacial syndrome, Kaufman type. Last evaluated: 2018-06-25. Review status: criteria provided, single submitter. Criteria: ACMG Guidelines, 2015. Collection method: clinical testing. Allele origin: paternal. Affected: yes.
Comment: This variant was determined to be of uncertain significance according to ACMG Guidelines, 2015 [PMID:25741868].